The following is an entry in ClinVar:

ClinVar aggregate classification (germline): Likely benign. Review status: criteria provided, multiple submitters, no conflicts (2 of 4 stars). 2 submissions from 2 submitters: Likely benign (2). Last evaluated 2024-12-07.

Conditions:
Seizures, benign familial infantile, 3 (BFIS3). Also called: Familial neonatal seizures; CONVULSIONS, BENIGN FAMILIAL INFANTILE, 3. Identifiers: Orphanet 140927, Orphanet 306, MedGen C1843140, MONDO:0011904, OMIM 607745.
Developmental and epileptic encephalopathy, 11 (DEE11). Also called: Early infantile epileptic encephalopathy 11. Identifiers: Orphanet 1934, MedGen C3150987, MONDO:0013388, OMIM 613721.

Allele frequency attached by ClinVar (database versions not stated): gnomAD 0.00001.
gnomAD v4.1: 1 of 1,613,298 alleles (0.000062%); highest among the groups gnomAD compares: African/African-American, 0.0013%; no homozygotes.

Submissions (2):

Labcorp Genetics (formerly Invitae), Labcorp
Classification: Likely benign for Seizures, benign familial infantile, 3; Developmental and epileptic encephalopathy, 11. Last evaluated: 2024-12-07. Review status: criteria provided, single submitter. Criteria: Invitae Variant Classification Sherloc (09022015). Collection method: clinical testing. Allele origin: germline.

GeneDx
Classification: Likely benign. Last evaluated: 2016-05-23. Review status: criteria provided, single submitter. Criteria: GeneDx Variant Classification (06012015). Collection method: clinical testing. Allele origin: germline. Affected: yes.
Comment: This variant is considered likely benign or benign based on one or more of the following criteria: it is a conservative change, it occurs at a poorly conserved position in the protein, it is predicted to be benign by multiple in silico algorithms, and/or has population frequency not consistent with disease.

NM_001040142.2(SCN2A):c.1038G>A (p.Gln346=)

Gene: SCN2A (sodium voltage-gated channel alpha subunit 2; plus strand). Cytogenetic location: 2q24.3.
Variant type: single nucleotide variant.
Coding change: c.1038G>A on transcript NM_001040142.2 (MANE Select); coding-DNA position 1038, G replaced by A.
Protein change: p.Gln346=; no amino-acid change (glutamine 346 retained).
Molecular consequence: synonymous variant.
Genome position (GRCh38, 1-based): chr2:165,313,623, G>A. VCF-style: chr2-165313623-G-A. GRCh37 (hg19) VCF-style: chr2-166170133-G-A.
Other names: c.1038G>A, p.Gln346= (NM_001040143.2, NM_001371246.1, NM_001371247.1 and 1 more transcripts).
Identifiers: ClinVar variation 386551 (VCV000386551.9), dbSNP rs1057522529, ClinGen allele CA16603907.